The following is an entry in ClinVar:

NM_001330588.2(TPP2):c.3579+110G>A

Gene: TPP2 (tripeptidyl peptidase 2; plus strand). Cytogenetic location: 13q33.1.
Variant type: single nucleotide variant.
Coding change: c.3579+110G>A on transcript NM_001330588.2 (MANE Select); 110 bases into the intron after coding-DNA position 3579, G replaced by A.
Molecular consequence: intron variant.
Genome position (GRCh38, 1-based): chr13:102,674,600, G>A. VCF-style: chr13-102674600-G-A. GRCh37 (hg19) VCF-style: chr13-103326950-G-A.
Other names: c.3666+110G>A (NM_001367947.1); c.3540+110G>A (NM_003291.4).
Identifiers: ClinVar variation 2688420 (VCV002688420.2), dbSNP rs674929, ClinGen allele CA15785643.

ClinVar aggregate classification (germline): Benign (1 of 4 stars; one submission).

Allele frequency attached by ClinVar (database versions not stated): 1000 Genomes Project 0.47364; 1000 Genomes Project 30x 0.47455; gnomAD 0.49677; TOPMed 0.49707.
gnomAD v4.1: 489,624 of 1,041,972 alleles (47%); highest among the groups gnomAD compares: African/African-American, 60%; 117,052 homozygotes.

Submission:

Unidad de Genómica Garrahan, Hospital de Pediatría Garrahan
Classification: Benign. Last evaluated: 2024-01-24. Review status: criteria provided, single submitter. Criteria: ACMG Guidelines, 2015. Collection method: clinical testing. Allele origin: germline. Affected: no. Observed: 42 variant alleles.
Comment: This variant is classified as Benign based on local population frequency. This variant was detected in 48% of patients studied by a panel of primary immunodeficiencies. Number of patients: 42. Only high quality variants are reported.